The following is an entry in ClinVar:

NM_015474.4(SAMHD1):c.254G>A (p.Arg85His)

Gene: SAMHD1 (SAM and HD domain containing deoxynucleoside triphosphate triphosphohydrolase 1; minus strand). Cytogenetic location: 20q11.23.
Variant type: single nucleotide variant.
Coding change: c.254G>A on transcript NM_015474.4 (MANE Select); coding-DNA position 254, G replaced by A.
Protein change: p.Arg85His; replaces arginine 85 with histidine.
Molecular consequence: missense variant.
Genome position (GRCh38, 1-based): chr20:36,946,759, C>T on the plus strand (G>A on the coding strand, the complement: SAMHD1 is on the minus strand). VCF-style: chr20-36946759-C-T. GRCh37 (hg19) VCF-style: chr20-35575162-C-T.
Other names: c.254G>A, p.Arg85His (NM_001363729.2, NM_001363733.2); short protein forms R85H.
Identifiers: ClinVar variation 1046953 (VCV001046953.7), dbSNP rs1274894909, ClinGen allele CA408830508.

ClinVar aggregate classification (germline): Uncertain significance. Review status: criteria provided, single submitter (1 of 4 stars). 2 submissions from 2 submitters: Uncertain significance (1). 1 of the submissions does not count toward it. Last evaluated 2021-09-02.

Conditions:
Aicardi Goutieres syndrome (AGS). Also called: Encephalopathy, familial infantile, with calcification of basal ganglia and chronic cerebrospinal fluid lymphocytosis. Identifiers: Orphanet 51, MedGen C0393591, MONDO:0018866.
Aicardi-Goutieres syndrome 5. Identifiers: Orphanet 51, MedGen C2749659, MONDO:0013059, OMIM 612952.

Allele frequency attached by ClinVar (database versions not stated): TOPMed below 0.00001; gnomAD 0.00001; gnomAD exomes 0.00001.
gnomAD v4.1: 10 of 1,612,700 alleles (0.00062%); highest among the groups gnomAD compares: East Asian, 0.0022%; no homozygotes.

Submissions (2):

Labcorp Genetics (formerly Invitae), Labcorp
Classification: Uncertain significance for Aicardi-Goutieres syndrome 5. Last evaluated: 2021-09-02. Review status: criteria provided, single submitter. Criteria: Invitae Variant Classification Sherloc (09022015). Collection method: clinical testing. Allele origin: germline.
Comment: This sequence change replaces arginine with histidine at codon 85 of the SAMHD1 protein (p.Arg85His). The arginine residue is weakly conserved and there is a small physicochemical difference between arginine and histidine. This variant is not present in population databases (ExAC no frequency). This variant has not been reported in the literature in individuals affected with SAMHD1-related conditions. Algorithms developed to predict the effect of missense changes on protein structure and function output the following: SIFT: "Tolerated"; PolyPhen-2: "Benign"; Align-GVGD: "Class C0". The histidine amino acid residue is found in multiple mammalian species, which suggests that this missense change does not adversely affect protein function. In summary, the available evidence is currently insufficient to determine the role of this variant in disease. Therefore, it has been classified as a Variant of Uncertain Significance.

Natera, Inc.
Classification: Uncertain significance for Aicardi-Goutieres syndrome. Last evaluated: 2020-08-18. Review status: no assertion criteria provided. Collection method: clinical testing. Allele origin: germline. Not counted in ClinVar's aggregate classification.